The following is an entry in ClinVar:

NM_024642.5(GALNT12):c.769A>G (p.Ile257Val)

Gene: GALNT12 (polypeptide N-acetylgalactosaminyltransferase 12; plus strand). Cytogenetic location: 9q22.33.
Variant type: single nucleotide variant.
Coding change: c.769A>G on transcript NM_024642.5 (MANE Select); coding-DNA position 769, A replaced by G.
Protein change: p.Ile257Val; replaces isoleucine 257 with valine.
Molecular consequence: missense variant.
Genome position (GRCh38, 1-based): chr9:98,831,809, A>G. VCF-style: chr9-98831809-A-G. GRCh37 (hg19) VCF-style: chr9-101594091-A-G.
Other names: short protein forms I257V.
Identifiers: ClinVar variation 4028025 (VCV004028025.1).
Genomic context (GRCh38, chr9:98,831,809, plus strand): 5'-ATGGATGTCTTGGGTGCTTTCAGGATCCATGAAGAGGAGTCGGCAGTGGTGTGCCCGGTG[A>G]TTGATGTGATCGACTGGAACACCTTCGAATACCTGGGGAACTCCGGGGAGCCCCAGATCG-3'
Protein context (NP_078918.3, residues 247-267): EEESAVVCPV[Ile257Val]DVIDWNTFEY

ClinVar aggregate classification (germline): Uncertain significance (1 of 4 stars; one submission).

Submission:

Ambry Genetics
Classification: Uncertain significance. Last evaluated: 2025-06-13. Review status: criteria provided, single submitter. Criteria: Ambry Variant Classification Scheme 2023. Collection method: clinical testing. Allele origin: germline.
Comment: The p.I257V variant (also known as c.769A>G), located in coding exon 4 of the GALNT12 gene, results from an A to G substitution at nucleotide position 769. The isoleucine at codon 257 is replaced by valine, an amino acid with highly similar properties. This amino acid position is conserved. In addition, the in silico prediction for this alteration is inconclusive. Based on the available evidence, the clinical significance of this variant remains unclear.